The following is an entry in ClinVar:

NM_022169.5(ABCG4):c.237G>T (p.Arg79Ser)

Gene: ABCG4 (ATP binding cassette subfamily G member 4; plus strand). Cytogenetic location: 11q23.3.
Variant type: single nucleotide variant.
Coding change: c.237G>T on transcript NM_022169.5 (MANE Select); coding-DNA position 237, G replaced by T.
Protein change: p.Arg79Ser; replaces arginine 79 with serine.
Molecular consequence: missense variant. On other transcripts: 5 prime UTR variant (1).
Genome position (GRCh38, 1-based): chr11:119,150,202, G>T. VCF-style: chr11-119150202-G-T. GRCh37 (hg19) VCF-style: chr11-119020912-G-T.
Other names: c.237G>T, p.Arg79Ser (NM_001142505.1, NM_001348191.2); c.-2G>T (NM_001348192.2); short protein forms R79S.
Identifiers: ClinVar variation 161759 (VCV000161759.2), dbSNP rs193920956, ClinGen allele CA174732.

ClinVar aggregate classification (germline): Uncertain significance (0 of 4 stars; one submission).

Conditions:
Prostate cancer. Also called: Malignant tumor of prostate. Identifiers: Orphanet 1331, MedGen C0376358, MONDO:0008315, HP:0012125.

Submission:

Science for Life laboratory,  Karolinska Institutet
Classification: Uncertain significance for Malignant tumor of prostate. Review status: no assertion criteria provided. Collection method: not provided. Allele origin: somatic.
Comment: TumorID:SWE-2
ClinVar note: Converted during submission from Unknown to Uncertain significance.